The following is an entry in ClinVar:

NM_133433.4(NIPBL):c.-457_-456delinsAT

Gene: NIPBL (NIPBL cohesin loading factor; plus strand). Cytogenetic location: 5p13.2.
Variant type: Indel.
Coding change: c.-457_-456delinsAT on transcript NM_133433.4 (MANE Select); 457 bases upstream of the start codon through 456 bases upstream of the start codon, GA replaced by AT.
Molecular consequence: 5 prime UTR variant.
Genome position (GRCh38, 1-based): chr5:36,876,801-36,876,802, GA replaced by AT. VCF-style: chr5-36876801-GA-AT. GRCh37 (hg19) VCF-style: chr5-36876903-GA-AT.
Other names: c.-457_-456delinsAT (NM_015384.5).
Identifiers: ClinVar variation 1300231 (VCV001300231.3), dbSNP rs2149510283, ClinGen allele CA2573052496.
Genomic context (GRCh38, chr5:36,876,801, plus strand): 5'-CATTCCTGCAGCTGCACTTCCGGTCGGCATTTTGTTCTGAGAGGGAGAGACGGAACGAGA[GA>AT]GAGACACACACAGGGCTCCTTCCCCCCGCCCTCCCCCCCCTCCCTCCGTCGGTACCGACT-3'

ClinVar aggregate classification (germline): Likely pathogenic (0 of 4 stars; one submission).

Conditions:
Neurodevelopmental abnormality. Identifiers: MedGen C4022737, HP:0012759.

Submission:

Department of Genetics, Rouen University Hospital, Normandy Center for Genomic and Personalized Medicine
Classification: Likely pathogenic for Neurodevelopmental abnormality. Last evaluated: 2021-10-22. Review status: no assertion criteria provided. Collection method: clinical testing. Allele origin: de novo. Inheritance: Sporadic. Affected: yes. Observed: 1 heterozygote.
Comment: The variant c.-457_-456delinsAT was a de novo mutation introducing a novel ATG codon sequence in the 5’UTR of NIPBL, predicted to introduce uORF. The reporter assay showed a significant decrease of GFP levels, with similar levels of mRNA as compared to wt constructs. Assessment of LCL in this patient showed consistent results with decreased NIPBL protein and unchanged mRNA levels.